The following is an entry in ClinVar:

NM_001258392.3(CLPB):c.1002G>C (p.Lys334Asn)

Gene: CLPB (ClpB family mitochondrial disaggregase; minus strand). Cytogenetic location: 11q13.4.
Variant type: single nucleotide variant.
Coding change: c.1002G>C on transcript NM_001258392.3 (MANE Select); coding-DNA position 1002, G replaced by C.
Protein change: p.Lys334Asn; replaces lysine 334 with asparagine.
Molecular consequence: missense variant.
Genome position (GRCh38, 1-based): chr11:72,308,591, C>G on the plus strand (G>C on the coding strand, the complement: CLPB is on the minus strand). VCF-style: chr11-72308591-C-G. GRCh37 (hg19) VCF-style: chr11-72019635-C-G.
Other names: c.915G>C, p.Lys305Asn (NM_001258393.3); c.957G>C, p.Lys319Asn (NM_001258394.3); c.1092G>C, p.Lys364Asn (NM_030813.6); short protein forms K305N, K319N, K334N, K364N.
Identifiers: ClinVar variation 3372514 (VCV003372514.1).

ClinVar aggregate classification (germline): Uncertain significance (1 of 4 stars; one submission).

Submission:

GeneDx
Classification: Uncertain significance. Last evaluated: 2024-04-15. Review status: criteria provided, single submitter. Criteria: GeneDx Variant Classification Process June 2021. Collection method: clinical testing. Allele origin: germline. Affected: yes.
Comment: Not observed at significant frequency in large population cohorts (gnomAD); In silico analysis supports that this missense variant has a deleterious effect on protein structure/function; Has not been previously published as pathogenic or benign to our knowledge